The following is an entry in ClinVar:

ClinVar aggregate classification (germline): Likely pathogenic. Review status: criteria provided, multiple submitters, no conflicts (2 of 4 stars). 2 submissions from 2 submitters: Likely pathogenic (2). Last evaluated 2025-06-27.

Conditions:
Familial thoracic aortic aneurysm and aortic dissection (TAAD). Also called: Thoracic aortic aneurysms and dissections. Identifiers: Orphanet 91387, MedGen C4707243, MONDO:0019625.

Submissions (2):

Dasa
Classification: Likely pathogenic. Last evaluated: 2025-06-27. Review status: criteria provided, single submitter. Criteria: DASA Assertion Criteria. Collection method: clinical testing. Allele origin: germline.
Comment: NM_000138.5(FBN1):c.2539+1G>T affects a canonical splice site and is predicted to disrupt normal RNA splicing. Loss of function is an established disease mechanism for FBN1 (PMID: 17701892; PMID: 30286810; PMID: 21063442). Also, this variant is absent from population databases. Based on the currently available evidence, this variant is classified as likely pathogenic.

CHEO Genetics Diagnostic Laboratory, Children's Hospital of Eastern Ontario
Classification: Likely pathogenic for Familial thoracic aortic aneurysm and aortic dissection. Last evaluated: 2018-10-04. Review status: criteria provided, single submitter. Criteria: ACMG Guidelines, 2015. Collection method: clinical testing. Allele origin: germline.

Literature cited by the submitters: PubMed 17701892 (cited by Dasa); PubMed 30286810 (cited by Dasa); PubMed 21063442 (cited by Dasa).

NM_000138.5(FBN1):c.2539+1G>T

Gene: FBN1 (fibrillin 1; minus strand). Cytogenetic location: 15q21.1.
Variant type: single nucleotide variant.
Coding change: c.2539+1G>T on transcript NM_000138.5 (MANE Select); the canonical splice donor site of the intron after coding-DNA position 2539, G replaced by T.
Molecular consequence: splice donor variant.
Genome position (GRCh38, 1-based): chr15:48,495,468, C>A on the plus strand (G>T on the coding strand, the complement: FBN1 is on the minus strand). VCF-style: chr15-48495468-C-A. GRCh37 (hg19) VCF-style: chr15-48787665-C-A.
Other names: c.2539+1G>T (NM_001406716.1).
Identifiers: ClinVar variation 626599 (VCV000626599.5), dbSNP rs794728192, ClinGen allele CA392334193.